The following is an entry in ClinVar:

NM_000368.5(TSC1):c.2725A>G (p.Ile909Val)

Gene: TSC1 (TSC complex subunit 1; minus strand). Cytogenetic location: 9q34.13.
Variant type: single nucleotide variant.
Coding change: c.2725A>G on transcript NM_000368.5 (MANE Select); coding-DNA position 2725, A replaced by G.
Protein change: p.Ile909Val; replaces isoleucine 909 with valine.
Molecular consequence: missense variant.
Genome position (GRCh38, 1-based): chr9:132,897,511, T>C on the plus strand (A>G on the coding strand, the complement: TSC1 is on the minus strand). VCF-style: chr9-132897511-T-C. GRCh37 (hg19) VCF-style: chr9-135772898-T-C.
Other names: c.2722A>G, p.Ile908Val (NM_001162426.2, NM_001406597.1, NM_001406598.1 and 2 more transcripts); c.2572A>G, p.Ile858Val (NM_001162427.2, NM_001406610.1); c.2362A>G, p.Ile788Val (NM_001362177.2, NM_001406614.1, NM_001406615.1 and 4 more transcripts); c.2725A>G, p.Ile909Val (NM_001406592.1, NM_001406593.1, NM_001406594.1 and 2 more transcripts); c.2569A>G, p.Ile857Val (NM_001406611.1, NM_001406612.1); c.2527A>G, p.Ile843Val (NM_001406613.1); c.1672A>G, p.Ile558Val (NM_001406629.1, NM_001406630.1); c.2710A>G, p.Ile904Val (NM_001406601.1, NM_001406602.1); and 8 more; short protein forms I558V, I843V, I908V, I909V, I592V, I787V, I788V, I894V.
Identifiers: ClinVar variation 1795228 (VCV001795228.4), dbSNP rs2538491923, ClinGen allele CA375369337.

ClinVar aggregate classification (germline): Conflicting classifications of pathogenicity. Review status: criteria provided, conflicting classifications (1 of 4 stars). 2 submissions from 2 submitters: Uncertain significance (1); Likely benign (1). Last evaluated 2025-11-05.

Conditions:
Hereditary cancer-predisposing syndrome. Also called: Neoplastic Syndromes, Hereditary; Tumor predisposition; Hereditary neoplastic syndrome; Hereditary Cancer Syndrome. Identifiers: Orphanet 140162, MedGen C0027672, MeSH D009386, MONDO:0015356.
Tuberous sclerosis 1 (TSC1). Identifiers: Orphanet 805, MedGen C1854465, MONDO:0008612, OMIM 191100.

Allele frequency attached by ClinVar (database versions not stated): gnomAD exomes below 0.00001.

Submissions (2):

Labcorp Genetics (formerly Invitae), Labcorp
Classification: Uncertain significance for Tuberous sclerosis 1. Last evaluated: 2025-11-05. Review status: criteria provided, single submitter. Criteria: Invitae Variant Classification Sherloc (09022015). Collection method: clinical testing. Allele origin: germline.
Comment: This sequence change replaces isoleucine, which is neutral and non-polar, with valine, which is neutral and non-polar, at codon 909 of the TSC1 protein (p.Ile909Val). This variant is not present in population databases (gnomAD no frequency). This variant has not been reported in the literature in individuals affected with TSC1-related conditions. ClinVar contains an entry for this variant (Variation ID: 1795228). Invitae Evidence Modeling of protein sequence and biophysical properties (such as structural, functional, and spatial information, amino acid conservation, physicochemical variation, residue mobility, and thermodynamic stability) indicates that this missense variant is not expected to disrupt TSC1 protein function with a negative predictive value of 95%. In summary, the available evidence is currently insufficient to determine the role of this variant in disease. Therefore, it has been classified as a Variant of Uncertain Significance.

Ambry Genetics
Classification: Likely benign for Hereditary cancer-predisposing syndrome. Last evaluated: 2025-04-11. Review status: criteria provided, single submitter. Criteria: Ambry Variant Classification Scheme 2023. Collection method: clinical testing. Allele origin: germline.